The following is an entry in ClinVar:

ClinVar aggregate classification (germline): Uncertain significance (1 of 4 stars; one submission).

Submission:

GeneDx
Classification: Uncertain significance. Last evaluated: 2024-06-17. Review status: criteria provided, single submitter. Criteria: GeneDx Variant Classification Process June 2021. Collection method: clinical testing. Allele origin: germline. Affected: yes.
Comment: Not observed at significant frequency in large population cohorts (gnomAD); In silico analysis indicates that this missense variant does not alter protein structure/function; Has not been previously published as pathogenic or benign to our knowledge

NM_015021.3(ZNF292):c.1436A>G (p.Tyr479Cys)

Gene: ZNF292 (zinc finger protein 292; plus strand). Cytogenetic location: 6q14.3.
Variant type: single nucleotide variant.
Coding change: c.1436A>G on transcript NM_015021.3 (MANE Select); coding-DNA position 1436, A replaced by G.
Protein change: p.Tyr479Cys; replaces tyrosine 479 with cysteine.
Molecular consequence: missense variant.
Genome position (GRCh38, 1-based): chr6:87,255,065, A>G. VCF-style: chr6-87255065-A-G. GRCh37 (hg19) VCF-style: chr6-87964783-A-G.
Other names: c.1016A>G, p.Tyr339Cys (NM_001351444.2); short protein forms Y339C, Y479C.
Identifiers: ClinVar variation 3391517 (VCV003391517.1).